The following is an entry in ClinVar:

ClinVar aggregate classification (germline): Uncertain significance. Review status: criteria provided, multiple submitters, no conflicts (2 of 4 stars). 3 submissions from 3 submitters: Uncertain significance (3). Last evaluated 2026-05-12.

Conditions:
EGFR-related lung cancer (EGFR). Identifiers: MedGen CN130014.
Hereditary cancer-predisposing syndrome. Also called: Tumor predisposition; Hereditary Cancer Syndrome; Hereditary neoplastic syndrome; Neoplastic Syndromes, Hereditary. Identifiers: Orphanet 140162, MedGen C0027672, MeSH D009386, MONDO:0015356.

Allele frequency attached by ClinVar (database versions not stated): gnomAD exomes below 0.00001.
gnomAD v4.1: 2 of 1,614,190 alleles (0.00012%); highest among the groups gnomAD compares: South Asian, 0.0011%; no homozygotes.

Submissions (3):

Ambry Genetics
Classification: Uncertain significance for Hereditary cancer-predisposing syndrome. Last evaluated: 2026-05-12. Review status: criteria provided, single submitter. Criteria: Ambry Variant Classification Scheme 2023. Collection method: clinical testing. Allele origin: germline.
Comment: The p.T446I variant (also known as c.1337C>T), located in coding exon 12 of the EGFR gene, results from a C to T substitution at nucleotide position 1337. The threonine at codon 446 is replaced by isoleucine, an amino acid with similar properties. This amino acid position is not well conserved in available vertebrate species. In addition, the in silico prediction for this alteration is inconclusive. Based on the available evidence, the clinical significance of this variant remains unclear.

Labcorp Genetics (formerly Invitae), Labcorp
Classification: Uncertain significance for EGFR-related lung cancer. Last evaluated: 2025-08-08. Review status: criteria provided, single submitter. Criteria: Invitae Variant Classification Sherloc (09022015). Collection method: clinical testing. Allele origin: germline.
Comment: This sequence change replaces threonine, which is neutral and polar, with isoleucine, which is neutral and non-polar, at codon 446 of the EGFR protein (p.Thr446Ile). This variant is present in population databases (no rsID available, gnomAD 0.0009%). This variant has not been reported in the literature in individuals affected with EGFR-related conditions. ClinVar contains an entry for this variant (Variation ID: 2441190). Invitae Evidence Modeling of protein sequence and biophysical properties (such as structural, functional, and spatial information, amino acid conservation, physicochemical variation, residue mobility, and thermodynamic stability) indicates that this missense variant is not expected to disrupt EGFR protein function with a negative predictive value of 80%. In summary, the available evidence is currently insufficient to determine the role of this variant in disease. Therefore, it has been classified as a Variant of Uncertain Significance.

Revvity Omics, Revvity
Classification: Uncertain significance. Last evaluated: 2022-06-13. Review status: criteria provided, single submitter. Criteria: ACMG Guidelines, 2015. Collection method: clinical testing. Allele origin: germline.

NM_005228.5(EGFR):c.1337C>T (p.Thr446Ile)

Gene: EGFR (epidermal growth factor receptor; plus strand). Cytogenetic location: 7p11.2.
Variant type: single nucleotide variant.
Coding change: c.1337C>T on transcript NM_005228.5 (MANE Select); coding-DNA position 1337, C replaced by T.
Protein change: p.Thr446Ile; replaces threonine 446 with isoleucine.
Molecular consequence: missense variant.
Genome position (GRCh38, 1-based): chr7:55,160,177, C>T. VCF-style: chr7-55160177-C-T. GRCh37 (hg19) VCF-style: chr7-55227870-C-T.
Other names: c.1202C>T, p.Thr401Ile (NM_001346897.2, NM_001346899.2); c.1337C>T, p.Thr446Ile (NM_001346898.2, NM_201282.2, NM_201284.2); c.1178C>T, p.Thr393Ile (NM_001346900.2); c.536C>T, p.Thr179Ile (NM_001346941.2); short protein forms T179I, T393I, T401I, T446I.
Identifiers: ClinVar variation 2441190 (VCV002441190.7), dbSNP rs1310061365, ClinGen allele CA367579388.